The following is an entry in ClinVar:

ClinVar aggregate classification (germline): Uncertain significance. Review status: criteria provided, multiple submitters, no conflicts (2 of 4 stars). 2 submissions from 2 submitters: Uncertain significance (2). Last evaluated 2025-01-13.

Conditions:
Age related macular degeneration 9. Identifiers: MedGen C1969651, MONDO:0012659, OMIM 611378.
Atypical hemolytic-uremic syndrome with C3 anomaly. Also called: AHUS, SUSCEPTIBILITY TO, 5. Identifiers: Orphanet 2134, MedGen C2752037, MONDO:0013043, OMIM 612925.
Complement component 3 deficiency. Identifiers: Orphanet 280133, MedGen C3151071, MONDO:0013417, OMIM 613779.

Allele frequency attached by ClinVar (database versions not stated): gnomAD exomes below 0.00001 and 0.00003; gnomAD 0.00002; TOPMed 0.00002.

Submissions (2):

Labcorp Genetics (formerly Invitae), Labcorp
Classification: Uncertain significance. Last evaluated: 2025-01-13. Review status: criteria provided, single submitter. Criteria: Invitae Variant Classification Sherloc (09022015). Collection method: clinical testing. Allele origin: germline.
Comment: This sequence change falls in intron 8 of the C3 gene. It does not directly change the encoded amino acid sequence of the C3 protein. It affects a nucleotide within the consensus splice site. This variant is present in population databases (rs779604113, gnomAD 0.0009%). This variant has not been reported in the literature in individuals affected with C3-related conditions. ClinVar contains an entry for this variant (Variation ID: 1434211). Variants that disrupt the consensus splice site are a relatively common cause of aberrant splicing (PMID: 17576681, 9536098). Algorithms developed to predict the effect of sequence changes on RNA splicing suggest that this variant is not likely to affect RNA splicing. In summary, the available evidence is currently insufficient to determine the role of this variant in disease. Therefore, it has been classified as a Variant of Uncertain Significance.

Fulgent Genetics
Classification: Uncertain significance for Age related macular degeneration 9; Atypical hemolytic-uremic syndrome with C3 anomaly; Complement component 3 deficiency. Last evaluated: 2024-05-06. Review status: criteria provided, single submitter. Criteria: ACMG Guidelines, 2015. Collection method: clinical testing. Allele origin: germline.

Literature cited by the submitters: PubMed 17576681 (cited by Labcorp Genetics (formerly Invitae), Labcorp); PubMed 9536098 (cited by Labcorp Genetics (formerly Invitae), Labcorp).

NM_000064.4(C3):c.876+4C>T

Gene: C3 (complement C3; minus strand). Cytogenetic location: 19p13.3.
Variant type: single nucleotide variant.
Coding change: c.876+4C>T on transcript NM_000064.4 (MANE Select); 4 bases into the intron after coding-DNA position 876, C replaced by T.
Molecular consequence: intron variant.
Genome position (GRCh38, 1-based): chr19:6,713,403, G>A on the plus strand (C>T on the coding strand, the complement: C3 is on the minus strand). VCF-style: chr19-6713403-G-A. GRCh37 (hg19) VCF-style: chr19-6713414-G-A.
Identifiers: ClinVar variation 1434211 (VCV001434211.7), dbSNP rs779604113, ClinGen allele CA304797928.